The following is an entry in ClinVar:

NM_000540.3(RYR1):c.9492T>G (p.Ser3164=)

Gene: RYR1 (ryanodine receptor 1; plus strand). Cytogenetic location: 19q13.2.
Variant type: single nucleotide variant.
Coding change: c.9492T>G on transcript NM_000540.3 (MANE Select); coding-DNA position 9492, T replaced by G.
Protein change: p.Ser3164=; no amino-acid change (serine 3164 retained).
Molecular consequence: synonymous variant.
Genome position (GRCh38, 1-based): chr19:38,515,045, T>G. VCF-style: chr19-38515045-T-G. GRCh37 (hg19) VCF-style: chr19-39005685-T-G.
Other names: c.9492T>G, p.Ser3164= (NM_001042723.2).
Identifiers: ClinVar variation 2148031 (VCV002148031.5), dbSNP rs1416932831, ClinGen allele CA507246702.

ClinVar aggregate classification (germline): Likely benign. Review status: criteria provided, multiple submitters, no conflicts (2 of 4 stars). 3 submissions from 3 submitters: Likely benign (3). Last evaluated 2023-10-02.

Conditions:
RYR1-related disorder. Also called: RYR1-related disorders; RYR1-related condition. Identifiers: MedGen CN239331.
Malignant hyperthermia, susceptibility to, 1 (MHS1). Also called: Anesthesia related hyperthermia; Malignant hyperpyrexia; Fulminating hyperpyrexia; Pharmacogenic myopathy; RYR1-Related Malignant Hyperthermia Susceptibility; Malignant hyperthermia suceptibility 1. Identifiers: Orphanet 423, MedGen C2930980, MONDO:0007783, OMIM 145600.

Allele frequency attached by ClinVar (database versions not stated): gnomAD exomes 0.00001; TOPMed 0.00001.
gnomAD v4.1: 9 of 1,613,578 alleles (0.00056%); highest among the groups gnomAD compares: Non-Finnish European, 0.00076%; no homozygotes.

Submissions (3):

All of Us Research Program, National Institutes of Health
Classification: Likely benign for Malignant hyperthermia, susceptibility to, 1. Last evaluated: 2023-10-02. Review status: criteria provided, single submitter. Criteria: ACMG Guidelines, 2015. Collection method: clinical testing. Allele origin: germline. Inheritance: Autosomal dominant inheritance. Observed: 2 variant alleles, 2 heterozygotes.
Comment: This study involves interpretation of variants in research participants for the purpose of population health screening. Participant phenotype was not available at the time of variant classification. Additional details can be found in publication PMID: 35346344, PMCID: PMC8962531

Color Diagnostics, LLC DBA Color Health
Classification: Likely benign for Malignant hyperthermia, susceptibility to, 1. Last evaluated: 2022-11-06. Review status: criteria provided, single submitter. Criteria: ACMG Guidelines, 2015. Collection method: clinical testing. Allele origin: germline.

Labcorp Genetics (formerly Invitae), Labcorp
Classification: Likely benign for RYR1-related disorder. Last evaluated: 2022-06-10. Review status: criteria provided, single submitter. Criteria: Invitae Variant Classification Sherloc (09022015). Collection method: clinical testing. Allele origin: germline.